The following is an entry in ClinVar:

ClinVar aggregate classification (germline): Pathogenic. Review status: criteria provided, multiple submitters, no conflicts (2 of 4 stars). 2 submissions from 2 submitters: Pathogenic (2). Last evaluated 2024-05-31.

Conditions:
ABCA4-related disorder. Also called: ABCA4-related condition; ABCA4-related disorders. Identifiers: MedGen CN239167.

Submissions (2):

Blueprint Genetics
Classification: Pathogenic for ABCA4-related disorders. Last evaluated: 2024-05-31. Review status: criteria provided, single submitter. Criteria: ACMG Guidelines, 2015. Collection method: clinical testing. Allele origin: germline. Affected: yes. Observed: 3 variant alleles.

Labcorp Genetics (formerly Invitae), Labcorp
Classification: Pathogenic. Last evaluated: 2021-09-24. Review status: criteria provided, single submitter. Criteria: Invitae Variant Classification Sherloc (09022015). Collection method: clinical testing. Allele origin: germline.
Comment: This sequence change creates a premature translational stop signal (p.Phe251Serfs*11) in the ABCA4 gene. It is expected to result in an absent or disrupted protein product. Loss-of-function variants in ABCA4 are known to be pathogenic (PMID: 10958761, 24938718, 25312043, 26780318). This variant is not present in population databases (ExAC no frequency). This variant has not been reported in the literature in individuals affected with ABCA4-related conditions. For these reasons, this variant has been classified as Pathogenic.

Literature cited by the submitters: PubMed 10958761 (cited by Labcorp Genetics (formerly Invitae), Labcorp); PubMed 24938718 (cited by Labcorp Genetics (formerly Invitae), Labcorp); PubMed 25312043 (cited by Labcorp Genetics (formerly Invitae), Labcorp); PubMed 26780318 (cited by Labcorp Genetics (formerly Invitae), Labcorp).

NM_000350.3(ABCA4):c.752del (p.Phe251fs)

Gene: ABCA4 (ATP binding cassette subfamily A member 4; minus strand). Cytogenetic location: 1p22.1.
Variant type: Deletion.
Coding change: c.752del on transcript NM_000350.3 (MANE Select); coding-DNA position 752, one base deleted (T; older notation c.752delT).
Protein change: p.Phe251fs; shifts the reading frame from phenylalanine 251.
Molecular consequence: frameshift variant.
Genome position (GRCh38, 1-based): chr1:94,098,810, A deleted on the plus strand (T on the coding strand, the reverse complement: ABCA4 is on the minus strand); the first of 2 consecutive A bases (chr1:94,098,810-94,098,811); deleting either gives the same sequence. VCF-style (leftmost placement, unchanged base first): chr1-94098809-GA-G. GRCh37 (hg19) VCF-style: chr1-94564365-GA-G.
Other names: c.751delT, p.Phe251Serfs (NM_001425324.1); short protein forms F251fs.
Identifiers: ClinVar variation 1411396 (VCV001411396.7), dbSNP rs2101135446, ClinGen allele CA2573132723.